The following is an entry in ClinVar:

ClinVar aggregate classification (germline): Uncertain significance. Review status: criteria provided, multiple submitters, no conflicts (2 of 4 stars). 2 submissions from 2 submitters: Uncertain significance (2). Last evaluated 2026-01-10.

Conditions:
Fanconi anemia complementation group B (FANCB). Also called: FANCB-Related Fanconi Anemia; FANCONI PANCYTOPENIA, TYPE 2. Identifiers: Orphanet 84, MedGen C1845292, MONDO:0010351, OMIM 300514.
Fanconi anemia (FA). Also called: Fanconi's anemia. Identifiers: Orphanet 84, MedGen C0015625, MeSH D005199, MONDO:0019391.

Allele frequency attached by ClinVar (database versions not stated): ExAC 0.00001; gnomAD exomes 0.00001; TOPMed 0.00003.
gnomAD v4.1: 16 of 1,189,233 alleles (0.0013%); highest among the groups gnomAD compares: Admixed American, 0.0044%; no homozygotes.

Submissions (2):

Labcorp Genetics (formerly Invitae), Labcorp
Classification: Uncertain significance for Fanconi anemia. Last evaluated: 2026-01-10. Review status: criteria provided, single submitter. Criteria: Invitae Variant Classification Sherloc (09022015). Collection method: clinical testing. Allele origin: germline.
Comment: This sequence change replaces proline, which is neutral and non-polar, with serine, which is neutral and polar, at codon 393 of the FANCB protein (p.Pro393Ser). This variant is present in population databases (rs753812355, gnomAD 0.004%), including at least one homozygous and/or hemizygous individual. This variant has not been reported in the literature in individuals affected with FANCB-related conditions. ClinVar contains an entry for this variant (Variation ID: 2149349). Invitae Evidence Modeling of protein sequence and biophysical properties (such as structural, functional, and spatial information, amino acid conservation, physicochemical variation, residue mobility, and thermodynamic stability) indicates that this missense variant is expected to disrupt FANCB protein function with a positive predictive value of 80%. In summary, the available evidence is currently insufficient to determine the role of this variant in disease. Therefore, it has been classified as a Variant of Uncertain Significance.

Revvity Omics, Revvity
Classification: Uncertain significance for Fanconi anemia complementation group B. Last evaluated: 2021-10-06. Review status: criteria provided, single submitter. Criteria: ACMG Guidelines, 2015. Collection method: clinical testing. Allele origin: germline.

NM_001018113.3(FANCB):c.1177C>T (p.Pro393Ser)

Gene: FANCB (FA complementation group B; minus strand). Cytogenetic location: Xp22.2.
Variant type: single nucleotide variant.
Coding change: c.1177C>T on transcript NM_001018113.3 (MANE Select); coding-DNA position 1177, C replaced by T.
Protein change: p.Pro393Ser; replaces proline 393 with serine.
Molecular consequence: missense variant.
Genome position (GRCh38, 1-based): chrX:14,857,882, G>A on the plus strand (C>T on the coding strand, the complement: FANCB is on the minus strand). VCF-style: chrX-14857882-G-A. GRCh37 (hg19) VCF-style: chrX-14876004-G-A.
Other names: c.1177C>T, p.Pro393Ser (NM_001324162.2, NM_001410764.1, NM_152633.4); short protein forms P393S.
Identifiers: ClinVar variation 2149349 (VCV002149349.7), dbSNP rs753812355, ClinGen allele CA10353108.